The following is an entry in ClinVar:

NM_001065.4(TNFRSF1A):c.269C>T (p.Thr90Ile)

Gene: TNFRSF1A (TNF receptor superfamily member 1A; minus strand). Cytogenetic location: 12p13.31.
Variant type: single nucleotide variant.
Coding change: c.269C>T on transcript NM_001065.4 (MANE Select); coding-DNA position 269, C replaced by T.
Protein change: p.Thr90Ile; replaces threonine 90 with isoleucine.
Molecular consequence: missense variant. On other transcripts: 5 prime UTR variant (2), non-coding transcript variant (1).
Genome position (GRCh38, 1-based): chr12:6,333,790, G>A on the plus strand (C>T on the coding strand, the complement: TNFRSF1A is on the minus strand). VCF-style: chr12-6333790-G-A. GRCh37 (hg19) VCF-style: chr12-6442956-G-A.
Other names: c.-56C>T (NM_001346091.2); c.-309C>T (NM_001346092.2); short protein forms T90I.
Identifiers: ClinVar variation 532185 (VCV000532185.25), dbSNP rs34751757, ClinGen allele CA6405581.

ClinVar aggregate classification (germline): Conflicting classifications of pathogenicity. Review status: criteria provided, conflicting classifications (1 of 4 stars). 5 submissions from 5 submitters: Uncertain significance (3); Likely benign (2). Last evaluated 2026-02-02.

Conditions:
TNF receptor-associated periodic fever syndrome (TRAPS) (FPF). Also called: TNF receptor 1-associated periodic fever syndrome; TNF RECEPTOR-ASSOCIATED PERIODIC SYNDROME; TUMOR NECROSIS FACTOR RECEPTOR-ASSOCIATED PERIODIC SYNDROME; FAMILIAL HIBERNIAN FEVER; Autosomal Dominant Familial Periodic Fever; TNF Receptor-Associated Periodic Fever Syndrome. Identifiers: Orphanet 32960, MedGen C1275126, MONDO:0007727, OMIM 142680.
TNFRSF1A-related disorder. Also called: TNFRSF1A-related condition.

Allele frequency attached by ClinVar (database versions not stated): gnomAD 0.00001 and 0.00007; TOPMed 0.00002; gnomAD exomes 0.00010 and 0.00021; 1000 Genomes Project 30x 0.00031; ExAC 0.00039; 1000 Genomes Project 0.00040.
gnomAD v4.1: 295 of 1,583,076 alleles (0.019%); highest among the groups gnomAD compares: East Asian, 0.67%; 2 homozygotes.

Submissions (5):

Labcorp Genetics (formerly Invitae), Labcorp
Classification: Likely benign for TNF receptor-associated periodic fever syndrome (TRAPS). Last evaluated: 2026-02-02. Review status: criteria provided, single submitter. Criteria: Invitae Variant Classification Sherloc (09022015). Collection method: clinical testing. Allele origin: germline.

PreventionGenetics, part of Exact Sciences
Classification: Uncertain significance for TNFRSF1A-related condition. Last evaluated: 2025-04-28. Review status: criteria provided, single submitter. Criteria: ACMG Guidelines, 2015. Collection method: clinical testing. Allele origin: germline.
Comment: The TNFRSF1A c.269C>T variant is predicted to result in the amino acid substitution p.Thr90Ile. This variant is also referred to as p.Thr61Ile using legacy nomenclature. This variant has been reported in individuals and family members with periodic fever syndrome; however, it has also been reported in controls and asymptomatic family members, including at least one homozygote (see, for example, Ida et al. 2004. PubMed ID: 15280569; Ueda et al. 2016. PubMed ID: 27332769). In one family, it was detected in cis with another TNFRSF1A variant, and family members who carried only the p.Thr90Ile were asymptomatic (Tsuji et al. 2019. PubMed ID: 31429073). This variant is also reported in 0.13% of alleles in individuals of East Asian descent in gnomAD v2, and in gnomAD v4 (only available on GRCh38), it is reported in 0.67% of alleles in individuals of East Asian descent, including two homozygous individuals. Experimental studies indicate this variant does not impair expression of the protein on the cell surface (Ueda et al. 2016. PubMed ID: 27332769; Tsuji et al. 2019. PubMed ID: 31429073; Akagi et al. 2022. PubMed ID: 35936010). Other missense variant affecting the same amino acid (p.Thr90Asn, p.Thr90Pro) have been reported in individuals with periodic fever syndrome (Kant et al. 2019. PubMed ID: 31442672; Radhakrishna et al. 2017. PubMed ID: 28427379). At this time, the clinical significance of this variant is uncertain due to the absence of conclusive functional and genetic evidence.

Women's Health and Genetics/Laboratory Corporation of America, LabCorp
Classification: Likely benign. Last evaluated: 2024-08-07. Review status: criteria provided, single submitter. Criteria: LabCorp Variant Classification Summary - May 2015. Collection method: clinical testing. Allele origin: germline.
Comment: Variant summary: TNFRSF1A c.269C>T (p.Thr90Ile) results in a non-conservative amino acid change located in the TNFR/NGFR cysteine-rich region (IPR001368) of the encoded protein sequence. Four of five in-silico tools predict a damaging effect of the variant on protein function. The variant allele was found at a frequency of 0.00019 in 1583076 control chromosomes, predominantly at a frequency of 0.0067 within the East Asian subpopulation in the gnomAD database, including 2 homozygotes. The observed variant frequency within East Asian control individuals in the gnomAD database exceeds the estimated maximal expected allele frequency for a pathogenic variant in TNFRSF1A causing TNF Receptor-Associated Periodic Fever Syndrome phenotype. c.269C>T has been reported in the literature in individuals affected with TNF Receptor-Associated Periodic Fever Syndrome as well as unaffected individuals (examples: Ida_2004 and Ueda_2016). These report(s) do not provide unequivocal conclusions about association of the variant with TNF Receptor-Associated Periodic Fever Syndrome. At least one publication reports experimental evidence evaluating an impact on protein function. These results showed no damaging effect of this variant (Ueda_2016). The following publications have been ascertained in the context of this evaluation (PMID: 27332769, 15280569). ClinVar contains an entry for this variant (Variation ID: 532185). Based on the evidence outlined above, the variant was classified as likely benign.

ARUP Laboratories, Molecular Genetics and Genomics, ARUP Laboratories
Classification: Uncertain significance. Last evaluated: 2018-01-12. Review status: criteria provided, single submitter. Criteria: ARUP Molecular Germline Variant Investigation Process. Collection method: clinical testing. Allele origin: germline.
Comment: The TNFRSF1A c.269C>T; p.Thr90Ile variant, also known as Thr61Ile, is published in the medical literature in several individuals with suspected TRAPS (Ida 2004, Ohmori 2014, Ueda 2016), but has also been published at a similar frequency in control individuals from the same ethnic group (Ida 2004, Ueda 2016). The variant is not listed in the ClinVar database, but is listed in the dbSNP variant database (rs34751757). The variant is described in the Genome Aggregation Database in 0.1 percent (20/13848 alleles) of the East Asian population. The threonine at this position is conserved across species and computational algorithms (PolyPhen2, SIFT) predict this variant is deleterious. Additionally, another variant in the same amino acid, p.Thr90Pro, is published in an individual with suspected TRAPS and the variant appeared to segregate with disease. However, due to conflicting information, this variant cannot be classified with certainty. Pathogenic TNFRSF1A variants are associated with autosomal dominant periodic fever (MIM#142680). References: Ida H et al. A novel mutation (T61I) in the gene encoding tumour necrosis factor receptor superfamily 1A (TNFRSF1A) in a Japanese patient with tumour necrosis factor receptor-associated periodic syndrome (TRAPS) associated with systemic lupus erythematosus. Rheumatology (Oxford). 2004 Oct;43(10):1292-9. Ohmori S et al. Inflammatory response to heparinoid and heparin in a patient with tumor necrosis factor receptor-associated periodic syndrome: the second case with a T61I mutation in the TNFRSF1A gene. J Dermatol. 2014 Dec;41(12):1112-3. Ueda N et al. Clinical and Genetic Features of Patients With TNFRSF1A Variants in Japan: Findings of a Nationwide Survey. Arthritis Rheumatol. 2016 Nov;68(11):2760-2771. Radhakrishna SM et al. Novel mutation identified in severe early-onset tumor necrosis factor receptor-associated periodic syndrome: a case report. BMC Pediatr. 2017 Apr 20;17(1):108.

Illumina Laboratory Services, Illumina
Classification: Uncertain significance for TNF receptor-associated periodic fever syndrome (TRAPS). Last evaluated: 2017-04-27. Review status: criteria provided, single submitter. Criteria: ICSL Variant Classification Criteria 13 December 2019. Collection method: clinical testing. Allele origin: germline.
Comment: This variant was observed as part of a predisposition screen in an ostensibly healthy population. A literature search was performed for the gene, cDNA change, and amino acid change (where applicable). Publications were found based on this search. However, the evidence from the literature, in combination with allele frequency data from public databases where available, was not sufficient to rule this variant in or out of causing disease. Therefore, this variant is classified as a variant of unknown significance.

Literature cited by the submitters: PubMed 27332769 (cited by Women's Health and Genetics/Laboratory Corporation of America, LabCorp); PubMed 15280569 (cited by Women's Health and Genetics/Laboratory Corporation of America, LabCorp and Illumina Laboratory Services, Illumina); PubMed 11443543 (cited by Illumina Laboratory Services, Illumina); PubMed 22918594 (cited by Illumina Laboratory Services, Illumina); PubMed 15492850 (cited by Illumina Laboratory Services, Illumina); PubMed 25387410 (cited by Illumina Laboratory Services, Illumina); PubMed 12352631 (cited by Illumina Laboratory Services, Illumina).